The following is an entry in ClinVar:

NM_000268.4(NF2):c.344A>G (p.Gln115Arg)

Gene: NF2 (NF2, moesin-ezrin-radixin like (MERLIN) tumor suppressor; plus strand). Cytogenetic location: 22q12.2.
Variant type: single nucleotide variant.
Coding change: c.344A>G on transcript NM_000268.4 (MANE Select); coding-DNA position 344, A replaced by G.
Protein change: p.Gln115Arg; replaces glutamine 115 with arginine.
Molecular consequence: missense variant. On other transcripts: 5 prime UTR variant (1), intron variant (8).
Genome position (GRCh38, 1-based): chr22:29,639,193, A>G. VCF-style: chr22-29639193-A-G. GRCh37 (hg19) VCF-style: chr22-30035182-A-G.
Other names: c.230A>G, p.Gln77Arg (NM_001407053.1, NM_001407056.1); c.218A>G, p.Gln73Arg (NM_001407055.1, NM_181828.3); c.344A>G, p.Gln115Arg (NM_001407057.1, NM_001407059.1, NM_001407060.1 and 5 more transcripts); c.-297A>G (NM_001407065.1); c.113A>G, p.Gln38Arg (NM_001407067.1); c.240+2317A>G (NM_001407058.1, NM_181829.3, NM_001407054.1 and 1 more transcripts); c.115-3009A>G (NM_001407063.1, NM_181830.3, NM_001407064.1 and 1 more transcripts); short protein forms Q115R, Q38R, Q73R, Q77R.
Identifiers: ClinVar variation 3231095 (VCV003231095.2), dbSNP rs2146872756, ClinGen allele CA411153356.
Genomic context (GRCh38, chr22:29,639,193, plus strand): 5'-ACTTCTTGGCCAAATTTTATCCTGAGAATGCTGAAGAGGAGCTGGTTCAGGAGATCACAC[A>G]ACATTTATTCTTCTTACAGGTACATCAGTCAAGGCTACCCCCCAGTTCTGAGAGAACTTG-3'
Protein context (NP_000259.1, residues 105-125): AEEELVQEIT[Gln115Arg]HLFFLQVKKQ

ClinVar aggregate classification (germline): Uncertain significance. Review status: criteria provided, multiple submitters, no conflicts (2 of 4 stars). 2 submissions from 2 submitters: Uncertain significance (2). Last evaluated 2025-05-08.

Conditions:
Hereditary cancer-predisposing syndrome. Also called: Neoplastic Syndromes, Hereditary; Tumor predisposition; Hereditary neoplastic syndrome; Hereditary Cancer Syndrome. Identifiers: Orphanet 140162, MedGen C0027672, MeSH D009386, MONDO:0015356.

Allele frequency attached by ClinVar (database versions not stated): gnomAD exomes 0.00001.
gnomAD v4.1: 6 of 1,614,198 alleles (0.00037%); highest among the groups gnomAD compares: Non-Finnish European, 0.00051%; no homozygotes.

Submissions (2):

GeneDx
Classification: Uncertain significance. Last evaluated: 2025-05-08. Review status: criteria provided, single submitter. Criteria: GeneDx Variant Classification Process June 2021. Collection method: clinical testing. Allele origin: germline. Affected: yes.
Comment: Not observed at significant frequency in large population cohorts (gnomAD); In silico analysis supports that this missense variant has a deleterious effect on protein structure/function; Has not been previously published as pathogenic or benign to our knowledge; This variant is associated with the following publications: (PMID: 11756419, 16324214)

Ambry Genetics
Classification: Uncertain significance for Hereditary cancer-predisposing syndrome. Last evaluated: 2024-02-22. Review status: criteria provided, single submitter. Criteria: Ambry Variant Classification Scheme 2023. Collection method: clinical testing. Allele origin: germline.
Comment: The p.Q115R variant (also known as c.344A>G), located in coding exon 3 of the NF2 gene, results from an A to G substitution at nucleotide position 344. The glutamine at codon 115 is replaced by arginine, an amino acid with highly similar properties. This amino acid position is conserved. In addition, the in silico prediction for this alteration is inconclusive. Based on the available evidence, the clinical significance of this alteration remains unclear.